The following is an entry in ClinVar:

NM_006767.4(LZTR1):c.1329C>A (p.Cys443Ter)

Gene: LZTR1 (leucine zipper like post translational regulator 1; plus strand). Cytogenetic location: 22q11.21.
Variant type: single nucleotide variant.
Coding change: c.1329C>A on transcript NM_006767.4 (MANE Select); coding-DNA position 1329, C replaced by A.
Protein change: p.Cys443Ter; replaces cysteine 443 with a stop codon.
Molecular consequence: nonsense.
Genome position (GRCh38, 1-based): chr22:20,993,730, C>A. VCF-style: chr22-20993730-C-A. GRCh37 (hg19) VCF-style: chr22-21348019-C-A.
Other names: short protein forms C443*.
Identifiers: ClinVar variation 3869336 (VCV003869336.1).

ClinVar aggregate classification (germline): Pathogenic (1 of 4 stars; one submission).

Conditions:
Cardiovascular phenotype. Identifiers: MedGen CN230736.
Hereditary cancer-predisposing syndrome. Also called: Tumor predisposition; Neoplastic Syndromes, Hereditary; Hereditary Cancer Syndrome; Hereditary neoplastic syndrome. Identifiers: Orphanet 140162, MedGen C0027672, MeSH D009386, MONDO:0015356.

Submission:

Ambry Genetics
Classification: Pathogenic for Cardiovascular phenotype; Hereditary cancer-predisposing syndrome. Last evaluated: 2025-03-14. Review status: criteria provided, single submitter. Criteria: Ambry Variant Classification Scheme 2023. Collection method: clinical testing. Allele origin: germline.
Comment: The p.C443* pathogenic mutation (also known as c.1329C>A), located in coding exon 12 of the LZTR1 gene, results from a C to A substitution at nucleotide position 1329. This changes the amino acid from a cysteine to a stop codon within coding exon 12. This variant is considered to be rare based on population cohorts in the Genome Aggregation Database (gnomAD). This alteration is expected to result in loss of function by premature protein truncation or nonsense-mediated mRNA decay. Loss-of-function variants in LZTR1 are related to an increased risk for schwannomas and autosomal recessive Noonan syndrome; however, such associations with autosomal dominant Noonan syndrome have not been observed (Piotrowski A et al. Nat Genet. 2014 Feb;46:182-7; Yamamoto GL et al. J Med Genet. 2015 Jun;52:413-21; Johnston JJ et al. Genet Med. 2018 10;20:1175-1185). Based on the supporting evidence, this variant is pathogenic for an increased risk of LZTR1-related schwannomatosis (SWN) and would be expected to cause autosomal recessive Noonan syndrome when present along with a second pathogenic or likely pathogenic variant on the other allele; however, the association of this alteration with autosomal dominant Noonan syndrome is unlikely.